The following is an entry in ClinVar:

NM_001323289.2(CDKL5):c.532C>T (p.Arg178Trp)

Gene: CDKL5 (cyclin dependent kinase like 5; plus strand). Cytogenetic location: Xp22.13.
Variant type: single nucleotide variant.
Coding change: c.532C>T on transcript NM_001323289.2 (MANE Select); coding-DNA position 532, C replaced by T.
Protein change: p.Arg178Trp; replaces arginine 178 with tryptophan.
Molecular consequence: missense variant.
Genome position (GRCh38, 1-based): chrX:18,584,331, C>T. VCF-style: chrX-18584331-C-T. GRCh37 (hg19) VCF-style: chrX-18602451-C-T.
Other names: p.R178W:CGG>TGG; NM_001323289.2(CDKL5):c.532C>T; p.Arg178Trp; c.532C>T, p.Arg178Trp (NM_001037343.2, NM_003159.3); short protein forms R178W.
Identifiers: ClinVar variation 143823 (VCV000143823.24), dbSNP rs267608493, ClinGen allele CA199283.
Genomic context (GRCh38, chrX:18,584,331, plus strand): 5'-CGTAATCTGTCAGAAGGCAATAATGCTAATTACACAGAGTACGTTGCCACCAGATGGTAT[C>T]GGTCCCCAGAACTCTTACTTGGGTGAGTTACCGTCCCAAAATAGAATGACATTTCCACAT-3'
Protein context (NP_001310218.1, residues 168-188): YTEYVATRWY[Arg178Trp]SPELLLGAPY

ClinVar aggregate classification (germline): Pathogenic. Review status: criteria provided, multiple submitters, no conflicts (2 of 4 stars). 14 submissions from 13 submitters: Pathogenic (11). 3 of the submissions do not count toward it. Last evaluated 2025-01-20.

Conditions:
CDKL5 disorder. Identifiers: MedGen CN296942, MONDO:0100039.
Inborn genetic diseases. Identifiers: MedGen C0950123, MeSH D030342.
Developmental and epileptic encephalopathy, 2 (DEE2). Also called: CDKL5 deficiency disorder; INFANTILE SPASM SYNDROME, X-LINKED 2. Identifiers: Orphanet 1934, Orphanet 3451, Orphanet 505652, MedGen C4750718, MONDO:0010396, OMIM 300672.
Angelman syndrome-like. Identifiers: MedGen CN128785.
Atypical Rett syndrome. Also called: Rett like syndrome; Variant Rett Syndrome. Identifiers: Orphanet 3095, MedGen C2748910, MONDO:0017746.
CDKL5-related disorder.
Intellectual disability. Also called: Intellectual functioning disability; intellectual disabilities; Intellectual developmental disorder. Identifiers: MedGen C3714756, MeSH D008607, MONDO:0001071, HP:0001249.

Submissions (14):

Institute of Human Genetics Munich, TUM University Hospital
Classification: Pathogenic for Developmental and epileptic encephalopathy, 2. Last evaluated: 2025-01-20. Review status: criteria provided, single submitter. Criteria: Classification criteria August 2017. Collection method: clinical testing. Allele origin: de novo. Inheritance: X-linked inheritance. Affected: yes. Observed: 1 variant allele.

Centre for Population Genomics, CPG
Classification: Pathogenic for CDKL5 disorder. Last evaluated: 2024-08-21. Review status: criteria provided, single submitter. Criteria: McKnight et al. (Hum Mutat. 2022). Collection method: curation. Allele origin: germline. Inheritance: X-linked inheritance.
Comment: This variant has been collected from RettBASE and curated to current modified ACMG/AMP criteria. Based on the classification scheme defined by the ClinGen Rett/Angelman-like Expert Panel for Rett/AS-like Disorders Specifications to the ACMG/AMP Variant Interpretation Guidelines VCEP 3.0, this variant is classified as pathogenic. At least the following criteria are met: Has been observed in at least 5 individuals with phenotypes consistent with CDKL5 disorder (PS4). Variation ID: 143823 >=2 different missense variants in the same codon have been classified as pathogenic (PM5_Strong). This variant is absent from gnomAD (PM2_Supporting).

Illumina Laboratory Services, Illumina
Classification: Pathogenic for CDKL5 disorder. Last evaluated: 2023-11-03. Review status: criteria provided, single submitter. Criteria: ICSLVariantClassificationCriteria RUGD 01 April 2020. Collection method: clinical testing. Allele origin: unknown.
Comment: The CDKL5 c.532C>T p.(Arg178Trp) missense variant has been reported in at least twelve affected individuals in the literature with a phenotype consistent with CDKL5 deficiency disorder (PMID: 35365919; 31175295; 33047306; 32712949; 31440721; 32005694). The variant was confirmed to have occurred de novo in three of these probands (PMID: 35365919; 31175295; 32712949). Additionally, a different amino acid substitution at the same codon, p.(Arg178Gln), has been reported in individuals with CDKL5 deficiency disorder (PMID: 33047306).This variant is not observed in version 2.1.1 or version 3.1.2 of the Genome Aggregation Database. Based on the available evidence, the c.532C>T p.(Arg178Trp) variant is classified as pathogenic.

Labcorp Genetics (formerly Invitae), Labcorp
Classification: Pathogenic for Developmental and epileptic encephalopathy, 2; Angelman syndrome-like. Last evaluated: 2023-03-27. Review status: criteria provided, single submitter. Criteria: Invitae Variant Classification Sherloc (09022015). Collection method: clinical testing. Allele origin: germline.
Comment: This missense change has been observed in individual(s) with early infantile epileptic encephalopathy (PMID: 19362436, 19793311, 22430159, 22678952, 22872100, 25657822, 26993267). In at least one individual the variant was observed to be de novo. For these reasons, this variant has been classified as Pathogenic. This variant disrupts the p.Arg178 amino acid residue in CDKL5. Other variant(s) that disrupt this residue have been determined to be pathogenic (PMID: 19793311, 22670135, 22678952, 26271793, 26482601). This suggests that this residue is clinically significant, and that variants that disrupt this residue are likely to be disease-causing. Advanced modeling of protein sequence and biophysical properties (such as structural, functional, and spatial information, amino acid conservation, physicochemical variation, residue mobility, and thermodynamic stability) performed at Invitae indicates that this missense variant is expected to disrupt CDKL5 protein function. ClinVar contains an entry for this variant (Variation ID: 143823). This variant is not present in population databases (gnomAD no frequency). This sequence change replaces arginine, which is basic and polar, with tryptophan, which is neutral and slightly polar, at codon 178 of the CDKL5 protein (p.Arg178Trp).

Institute of Medical Genetics and Applied Genomics, University Hospital Tübingen
Classification: Pathogenic for Developmental and epileptic encephalopathy, 2. Last evaluated: 2022-12-02. Review status: criteria provided, single submitter. Criteria: ACMG Guidelines, 2015. Collection method: clinical testing. Allele origin: germline. Inheritance: X-linked dominant inheritance. Affected: yes.

Diagnostic Laboratory, Strasbourg University Hospital
Classification: Pathogenic for Intellectual disability. Last evaluated: 2020-09-10. Review status: criteria provided, single submitter. Criteria: ACMG Guidelines, 2015. Collection method: clinical testing. Allele origin: de novo. Affected: yes. Observed: 1 heterozygote.

Blueprint Genetics
Classification: Pathogenic for CDKL5-related disorders. Last evaluated: 2020-01-15. Review status: criteria provided, single submitter. Criteria: ACMG Guidelines, 2015. Collection method: clinical testing. Allele origin: germline. Affected: yes. Observed: 2 variant alleles.

GeneDx
Classification: Pathogenic. Last evaluated: 2019-12-26. Review status: criteria provided, single submitter. Criteria: GeneDx Variant Classification Process June 2021. Collection method: clinical testing. Allele origin: germline. Affected: yes.
Comment: Not observed in large population cohorts (Lek et al., 2016); In silico analysis, which includes protein predictors and evolutionary conservation, supports a deleterious effect; This variant is associated with the following publications: (PMID: 22430159, 23064044, 22670135, 24564546, 22998673, 26271793, 25657822, 30460546, 19793311, 19362436, 23242510, 22779007, 22678952, 29100083, 22872100, 26993267, 31031587, 32712949)

Ambry Genetics
Classification: Pathogenic for Inborn genetic diseases. Last evaluated: 2019-06-06. Review status: criteria provided, single submitter. Criteria: Ambry Variant Classification Scheme 2023. Collection method: clinical testing. Allele origin: germline.
Comment: The p.R178W pathogenic mutation (also known as c.532C>T), located in coding exon 7 of the CDKL5 gene, results from a C to T substitution at nucleotide position 532. The arginine at codon 178 is replaced by tryptophan, an amino acid with dissimilar properties. This pathogenic mutation has been reported in multiple individuals with severe epileptic encephalopathy and/or Rett-syndrome like features (Artuso R et al. Brain Dev., 2010 Jan;32:17-24; Pini G et al. Neuropediatrics, 2012 Feb;43:37-43; Bahi-Buisson N et al. Am. J. Med. Genet. A, 2012 Jul;158A:1612-9), including in some cases as a confirmed de novo occurrence (Nemos C et al. Clin. Genet., 2009 Oct;76:357-71; Hamdan FF et al. Am. J. Hum. Genet., 2017 Nov;101:664-685). In addition, disease-causing alterations at the same codon have previously been reported, including p.R178P (Elia M et al. Neurology, 2008 Sep;71:997-9; Nemos C et al. Clin. Genet., 2009 Oct;76:357-71; Bahi-Buisson N et al. Am. J. Med. Genet. A, 2012 Jul;158A:1612-9), p.R178Q (Liang JS et al. Epilepsia, 2011 Oct;52:1835-42; Bahi-Buisson N et al. Am. J. Med. Genet. A, 2012 Jul;158A:1612-9), and p.R178L (Miao P et al. Clin. Genet., 2018 Dec;94:512-520). Based on the supporting evidence, this alteration is interpreted as a disease-causing mutation.

Center for Human Genetics, Inc
Classification: Pathogenic for Atypical Rett syndrome. Last evaluated: 2016-11-01. Review status: criteria provided, single submitter. Criteria: ACMG Guidelines, 2015. Collection method: clinical testing. Allele origin: germline. Affected: yes.

Pediatric Department, Xiangya Hospital, Central South University
Classification: Pathogenic for Developmental and epileptic encephalopathy 2. Review status: criteria provided, single submitter. Criteria: ACMG Guidelines, 2015. Collection method: research. Allele origin: de novo. Affected: yes.

Genomic Diagnostic Laboratory, Division of Genomic Diagnostics, Children's Hospital of Philadelphia
Classification: Pathogenic. Last evaluated: 2015-02-13. Review status: no assertion criteria provided. Collection method: clinical testing. Allele origin: germline. Not counted in ClinVar's aggregate classification.

RettBASE
Classification: Likely pathogenic for Epileptic encephalopathy, early infantile, 2. Last evaluated: 2014-05-15. Review status: no assertion criteria provided. Collection method: curation. Allele origin: de novo. Affected: yes. Observed: 1 variant allele. Not counted in ClinVar's aggregate classification.
Comment: In silico prediction: SIFT = deleterious, MutationTaster = disease-causing, PolyPhen2 = probably damaging, AlignGVGD = benign (C0)

RettBASE
Classification: Likely pathogenic for Atypical Rett syndrome. Last evaluated: 2014-05-15. Review status: no assertion criteria provided. Collection method: curation. Allele origin: unknown. Affected: yes. Observed: 2 variant alleles. Not counted in ClinVar's aggregate classification.
Comment: the same text as in the submission from RettBASE above.

Literature cited by the submitters: PubMed 35365919 (cited by Illumina Laboratory Services, Illumina); PubMed 31175295 (cited by Illumina Laboratory Services, Illumina); PubMed 33047306 (cited by Illumina Laboratory Services, Illumina); PubMed 32712949 (cited by Illumina Laboratory Services, Illumina); PubMed 31440721 (cited by Illumina Laboratory Services, Illumina); PubMed 32005694 (cited by Illumina Laboratory Services, Illumina); PubMed 19362436 (cited by Labcorp Genetics (formerly Invitae), Labcorp and Ambry Genetics); PubMed 19793311 (cited by 3 submitters); PubMed 22430159 (cited by 3 submitters); PubMed 22678952 (cited by Labcorp Genetics (formerly Invitae), Labcorp and Ambry Genetics); PubMed 22872100 (cited by Labcorp Genetics (formerly Invitae), Labcorp); PubMed 25657822 (cited by Labcorp Genetics (formerly Invitae), Labcorp); PubMed 26993267 (cited by Labcorp Genetics (formerly Invitae), Labcorp); PubMed 22670135 (cited by Labcorp Genetics (formerly Invitae), Labcorp); PubMed 26271793 (cited by Labcorp Genetics (formerly Invitae), Labcorp); PubMed 26482601 (cited by Labcorp Genetics (formerly Invitae), Labcorp); PubMed 18809835 (cited by Ambry Genetics); PubMed 21770923 (cited by Ambry Genetics); PubMed 29100083 (cited by Ambry Genetics); PubMed 30182498 (cited by Ambry Genetics); PubMed 30460546 (cited by Ambry Genetics).